The following is an entry in ClinVar:

NM_001042492.3(NF1):c.5175A>T (p.Lys1725Asn)

Gene: NF1 (neurofibromin 1; plus strand). Cytogenetic location: 17q11.2.
Variant type: single nucleotide variant.
Coding change: c.5175A>T on transcript NM_001042492.3 (MANE Select); coding-DNA position 5175, A replaced by T.
Protein change: p.Lys1725Asn; replaces lysine 1725 with asparagine.
Molecular consequence: missense variant.
Genome position (GRCh38, 1-based): chr17:31,326,159, A>T. VCF-style: chr17-31326159-A-T. GRCh37 (hg19) VCF-style: chr17-29653177-A-T.
Other names: c.5112A>T, p.Lys1704Asn (NM_000267.4); short protein forms K1725N, K1704N.
Identifiers: ClinVar variation 1745419 (VCV001745419.2), dbSNP rs1372069749, ClinGen allele CA399007934.

ClinVar aggregate classification (germline): Uncertain significance (1 of 4 stars; one submission).

Conditions:
Cardiovascular phenotype. Identifiers: MedGen CN230736.
Hereditary cancer-predisposing syndrome. Also called: Hereditary Cancer Syndrome; Neoplastic Syndromes, Hereditary; Tumor predisposition; Hereditary neoplastic syndrome. Identifiers: Orphanet 140162, MedGen C0027672, MeSH D009386, MONDO:0015356.

Submission:

Ambry Genetics
Classification: Uncertain significance for Cardiovascular phenotype; Hereditary cancer-predisposing syndrome. Last evaluated: 2022-10-23. Review status: criteria provided, single submitter. Criteria: Ambry Variant Classification Scheme 2023. Collection method: clinical testing. Allele origin: germline.
Comment: The p.K1704N variant (also known as c.5112A>T), located in coding exon 36 of the NF1 gene, results from an A to T substitution at nucleotide position 5112. The lysine at codon 1704 is replaced by asparagine, an amino acid with similar properties. This amino acid position is conserved. In addition, this alteration is predicted to be tolerated by in silico analysis. Since supporting evidence is limited at this time, the clinical significance of this alteration remains unclear.